The following is an entry in ClinVar:

NM_020184.4(CNNM4):c.1824G>A (p.Pro608=)

Gene: CNNM4 (cyclin and CBS domain divalent metal cation transport mediator 4; plus strand). Cytogenetic location: 2q11.2.
Variant type: single nucleotide variant.
Coding change: c.1824G>A on transcript NM_020184.4 (MANE Select); coding-DNA position 1824, G replaced by A.
Protein change: p.Pro608=; no amino-acid change (proline 608 retained).
Molecular consequence: synonymous variant.
Genome position (GRCh38, 1-based): chr2:96,799,199, G>A. VCF-style: chr2-96799199-G-A. GRCh37 (hg19) VCF-style: chr2-97464936-G-A.
Identifiers: ClinVar variation 337588 (VCV000337588.18), dbSNP rs36121810, ClinGen allele CA1783478.
Genomic context (GRCh38, chr2:96,799,199, plus strand): 5'-CAAGTTTGACGAGCACAATAAGTACTACGCCCGCCATTACCTGTACACCCGAAATAAGCC[G>A]GCCGACTACTTCATCCTCATCCTGCAGGTGAGCCCGCTCAGCCCTGGGCCTGCCACCTGC-3'
Protein context (NP_064569.3, residues 598-618): ARHYLYTRNK[Pro608=]ADYFILILQG

ClinVar aggregate classification (germline): Benign. Review status: criteria provided, multiple submitters, no conflicts (2 of 4 stars). 4 submissions from 4 submitters: Benign (4). Last evaluated 2026-01-27.

Conditions:
Jalili syndrome. Also called: CONE-ROD DYSTROPHY AND AMELOGENESIS IMPERFECTA. Identifiers: Orphanet 1873, MedGen C3495589, MONDO:0009007, OMIM 217080.

Allele frequency attached by ClinVar (database versions not stated): gnomAD exomes 0.00626; ExAC 0.00791; gnomAD 0.02408 and 0.02587; TOPMed 0.02681; ESP Exome Variant Server 0.02783; 1000 Genomes Project 0.02875; 1000 Genomes Project 30x 0.03232.
gnomAD v4.1: 7,267 of 1,614,094 alleles (0.45%); highest among the groups gnomAD compares: African/African-American, 8.6%; 300 homozygotes.

Submissions (4):

Labcorp Genetics (formerly Invitae), Labcorp
Classification: Benign. Last evaluated: 2026-01-27. Review status: criteria provided, single submitter. Criteria: Invitae Variant Classification Sherloc (09022015). Collection method: clinical testing. Allele origin: germline.

GeneDx
Classification: Benign. Last evaluated: 2021-05-05. Review status: criteria provided, single submitter. Criteria: GeneDx Variant Classification Process June 2021. Collection method: clinical testing. Allele origin: germline. Affected: yes.

Illumina Laboratory Services, Illumina
Classification: Benign for Jalili syndrome. Last evaluated: 2018-01-13. Review status: criteria provided, single submitter. Criteria: ICSL Variant Classification Criteria 13 December 2019. Collection method: clinical testing. Allele origin: germline.
Comment: This variant was observed in the ICSL laboratory as part of a predisposition screen in an ostensibly healthy population. It had not been previously curated by ICSL or reported in the Human Gene Mutation Database (HGMD: prior to June 1st, 2018), and was therefore a candidate for classification through an automated scoring system. Utilizing variant allele frequency, disease prevalence and penetrance estimates, and inheritance mode, an automated score was calculated to assess if this variant is too frequent to cause the disease. Based on the score and internal cut-off values, a variant classified as benign is not then subjected to further curation. The score for this variant resulted in a classification of benign for this disease.

Breakthrough Genomics
Classification: Benign. Review status: criteria provided, single submitter. Criteria: ACMG Guidelines, 2015. Collection method: not provided. Allele origin: germline. Inheritance: Autosomal recessive inheritance. Affected: yes.